The following is an entry in ClinVar:

ClinVar aggregate classification (germline): Likely benign. Review status: criteria provided, multiple submitters, no conflicts (2 of 4 stars). 2 submissions from 2 submitters: Likely benign (2). Last evaluated 2024-11-25.

Allele frequency attached by ClinVar (database versions not stated): ExAC 0.00089; 1000 Genomes Project 0.00180; 1000 Genomes Project 30x 0.00187; gnomAD 0.00265; ESP Exome Variant Server 0.00323; TOPMed 0.00325.
gnomAD v4.1: 1,172 of 1,612,786 alleles (0.073%); highest among the groups gnomAD compares: African/African-American, 0.98%; 8 homozygotes.

Submissions (2):

Blueprint Genetics
Classification: Likely benign. Last evaluated: 2024-11-25. Review status: criteria provided, single submitter. Criteria: ACMG Guidelines, 2015. Collection method: clinical testing. Allele origin: germline.

CeGaT Center for Human Genetics Tuebingen
Classification: Likely benign. Last evaluated: 2023-12-01. Review status: criteria provided, single submitter. Criteria: CeGaT Center For Human Genetics Tuebingen Variant Classification Criteria Version 2. Collection method: clinical testing. Allele origin: germline. Affected: yes. Observed: 1 variant allele.
Comment: ERCC5: BS2

NM_000123.4(ERCC5):c.881-30A>G

Genes: BIVM-ERCC5 (BIVM-ERCC5 readthrough; plus strand), ERCC5 (ERCC excision repair 5, endonuclease; plus strand). Cytogenetic location: 13q33.1.
Variant type: single nucleotide variant.
Coding change: c.881-30A>G on transcript NM_000123.4 (MANE Select); 30 bases into the intron before coding-DNA position 881, A replaced by G.
Molecular consequence: intron variant.
Genome position (GRCh38, 1-based): chr13:102,862,000, A>G. VCF-style: chr13-102862000-A-G. GRCh37 (hg19) VCF-style: chr13-103514350-A-G.
Other names: c.2243-30A>G (NM_001204425.2).
Identifiers: ClinVar variation 3025355 (VCV003025355.23), dbSNP rs143419119, ClinGen allele CA7041299.